The following is an entry in ClinVar:

ClinVar aggregate classification (germline): Uncertain significance. Review status: criteria provided, multiple submitters, no conflicts (2 of 4 stars). 3 submissions from 3 submitters: Uncertain significance (3). Last evaluated 2025-03-01.

Conditions:
Beta-D-mannosidosis (MANSB). Also called: MANNOSIDOSIS, BETA A, LYSOSOMAL; BETA-MANNOSIDASE DEFICIENCY; LYSOSOMAL BETA-MANNOSIDASE DEFICIENCY; Beta-Mannosidosis. Identifiers: Orphanet 118, MedGen C4048196, MONDO:0009562, OMIM 248510.
Inborn genetic diseases. Identifiers: MedGen C0950123, MeSH D030342.

Allele frequency attached by ClinVar (database versions not stated): ExAC 0.00001; gnomAD 0.00007 and 0.00006; gnomAD exomes 0.00001 and 0.00002; 1000 Genomes Project 30x 0.00016; 1000 Genomes Project 0.00020; TOPMed 0.00004.
gnomAD v4.1: 28 of 1,614,162 alleles (0.0017%); highest among the groups gnomAD compares: African/African-American, 0.029%; no homozygotes.

Submissions (3):

Ambry Genetics
Classification: Uncertain significance for Inborn genetic diseases. Last evaluated: 2025-03-01. Review status: criteria provided, single submitter. Criteria: Ambry Variant Classification Scheme 2023. Collection method: clinical testing. Allele origin: germline.

Labcorp Genetics (formerly Invitae), Labcorp
Classification: Uncertain significance for Beta-D-mannosidosis. Last evaluated: 2022-06-05. Review status: criteria provided, single submitter. Criteria: Invitae Variant Classification Sherloc (09022015). Collection method: clinical testing. Allele origin: germline.
Comment: This sequence change replaces isoleucine, which is neutral and non-polar, with valine, which is neutral and non-polar, at codon 140 of the MANBA protein (p.Ile140Val). This variant is present in population databases (rs572164146, gnomAD 0.02%). This variant has not been reported in the literature in individuals affected with MANBA-related conditions. ClinVar contains an entry for this variant (Variation ID: 1393750). Algorithms developed to predict the effect of missense changes on protein structure and function (SIFT, PolyPhen-2, Align-GVGD) all suggest that this variant is likely to be tolerated. In summary, the available evidence is currently insufficient to determine the role of this variant in disease. Therefore, it has been classified as a Variant of Uncertain Significance.

Breakthrough Genomics
Classification: Uncertain significance. Review status: criteria provided, single submitter. Criteria: ACMG Guidelines, 2015. Collection method: not provided. Allele origin: germline. Inheritance: Autosomal recessive inheritance. Affected: yes.

NM_005908.4(MANBA):c.418A>G (p.Ile140Val)

Gene: MANBA (mannosidase beta; minus strand). Cytogenetic location: 4q24.
Variant type: single nucleotide variant.
Coding change: c.418A>G on transcript NM_005908.4 (MANE Select); coding-DNA position 418, A replaced by G.
Protein change: p.Ile140Val; replaces isoleucine 140 with valine.
Molecular consequence: missense variant.
Genome position (GRCh38, 1-based): chr4:102,723,002, T>C on the plus strand (A>G on the coding strand, the complement: MANBA is on the minus strand). VCF-style: chr4-102723002-T-C. GRCh37 (hg19) VCF-style: chr4-103644159-T-C.
Other names: c.418A>G (NM_005908.3); short protein forms I140V.
Identifiers: ClinVar variation 1393750 (VCV001393750.5), dbSNP rs572164146, ClinGen allele CA3027229.
Genomic context (GRCh38, chr4:102,723,002, plus strand): 5'-GAGTGTGAGCTTTGCTCTGCTGTGCTGCATACAACACCGCTGACTGGAAACGCAGCTCAA[T>C]GGAGTTCACGTCCCTGACCACGTTGGTAATATCAAAGCTCTAAGTTAAAGGGAACAATCA-3'
Protein context (NP_005899.3, residues 130-150): ITNVVRDVNS[Ile140Val]ELRFQSAVLY